The following is an entry in ClinVar:

NC_000017.10:g.(?_411907)_(618080_?)dup

Gene: VPS53 (VPS53 subunit of GARP complex; minus strand). Cytogenetic location: 17p13.3.
Variant type: Duplication.
Identifiers: ClinVar variation 3768995 (VCV003768995.1).

ClinVar aggregate classification (germline): Uncertain significance (1 of 4 stars; one submission).

Submission:

Women's Health and Genetics/Laboratory Corporation of America, LabCorp
Classification: Uncertain significance. Last evaluated: 2025-02-18. Review status: criteria provided, single submitter. Criteria: LabCorp Variant Classification Summary - May 2015. Collection method: clinical testing. Allele origin: germline.
Comment: Variant summary: The variant involves the duplication of exons 1-22 in the VPS53 gene. A presumed nomenclature of c.(?_-131)_(*10461_?)dup has been designated for the purposes of this classification. This duplication includes the entire coding sequence of the gene. As exact breakpoints are unknown, it may extend beyond the annotated region of the gene, to include other flanking genes. The variant was absent in 20614 control chromosomes. The available data on variant occurrences in the general population are insufficient to allow any conclusion about variant significance. To our knowledge, no occurrence of c.(?_-131)_(*10461_?)dup in individuals affected with Pontocerebellar Hypoplasia, Type 2E and no experimental evidence demonstrating its impact on protein function have been reported. No submitters have cited clinical-significance assessments for this variant to ClinVar. Based on the evidence outlined above, the variant was classified as uncertain significance.